The following is an entry in ClinVar:

NM_000444.6(PHEX):c.1587-1G>A

Gene: PHEX (phosphate regulating endopeptidase X-linked; plus strand). Cytogenetic location: Xp22.11.
Variant type: single nucleotide variant.
Coding change: c.1587-1G>A on transcript NM_000444.6 (MANE Select); the canonical splice acceptor site of the intron before coding-DNA position 1587, G replaced by A.
Molecular consequence: splice acceptor variant.
Genome position (GRCh38, 1-based): chrX:22,190,443, G>A. VCF-style: chrX-22190443-G-A. GRCh37 (hg19) VCF-style: chrX-22208560-G-A.
Other names: c.1587-1G>A (NM_001282754.2).
Identifiers: ClinVar variation 280672 (VCV000280672.17), dbSNP rs886041839, ClinGen allele CA10603648.

ClinVar aggregate classification (germline): Pathogenic. Review status: criteria provided, multiple submitters, no conflicts (2 of 4 stars). 4 submissions from 4 submitters: Pathogenic (4). Last evaluated 2022-06-03.

Conditions:
PHEX-related disorder. Also called: PHEX-related condition.
Familial X-linked hypophosphatemic vitamin D refractory rickets (XLHRD). Also called: X-Linked Hypophosphatemia; Hypophosphatemia, vitamin D-resistant rickets; Vitamin D-resistant rickets, X-linked; Hypophosphatemic Rickets, X-Linked Dominant; HYPOPHOSPHATEMIC VITAMIN D-RESISTANT RICKETS. Identifiers: Orphanet 89936, MedGen C0733682, MONDO:0010619, OMIM 307800.

Submissions (5):

Blueprint Genetics
Classification: Pathogenic for PHEX-related disorders. Last evaluated: 2022-06-03. Review status: criteria provided, single submitter. Criteria: ACMG Guidelines, 2015. Collection method: clinical testing. Allele origin: germline. Affected: yes. Observed: 2 variant alleles.

Labcorp Genetics (formerly Invitae), Labcorp
Classification: Pathogenic. Last evaluated: 2021-04-02. Review status: criteria provided, single submitter. Criteria: Invitae Variant Classification Sherloc (09022015). Collection method: clinical testing. Allele origin: germline.
Comment: This sequence change affects an acceptor splice site in intron 14 of the PHEX gene. It is expected to disrupt RNA splicing and likely results in an absent or disrupted protein product. This variant is not present in population databases (ExAC no frequency). Disruption of this splice site has been observed in an individual affected with hypophosphatemic rickets (PMID: 22695891). ClinVar contains an entry for this variant (Variation ID: 280672). For these reasons, this variant has been classified as Pathogenic. Algorithms developed to predict the effect of sequence changes on RNA splicing suggest that this variant may disrupt the consensus splice site, but this prediction has not been confirmed by published transcriptional studies. Donor and acceptor splice site variants typically lead to a loss of protein function (PMID: 16199547), and loss-of-function variants in PHEX are known to be pathogenic (PMID: 9097956, 9106524, 19219621).

Genomic Research Center, Shahid Beheshti University of Medical Sciences
Classification: Pathogenic for Familial X-linked hypophosphatemic vitamin D refractory rickets. Last evaluated: 2020-05-03. Review status: criteria provided, single submitter. Criteria: ACMG Guidelines, 2015. Collection method: clinical testing. Allele origin: unknown. Affected: yes.

GeneDx
Classification: Pathogenic. Last evaluated: 2017-01-25. Review status: criteria provided, single submitter. Criteria: GeneDx Variant Classification (06012015). Collection method: clinical testing. Allele origin: germline. Affected: yes.
Comment: The c.1587-1 G>A splice site variant in the PHEX gene destroys the canonical splice acceptor site in intron 14. It is predicted to cause abnormal gene splicing, either leading to an abnormal message that is subject to nonsense-mediated mRNA decay, or to an abnormal protein product if the message is used for protein translation. The c.1587-1 G>A variant is not observed in large population cohorts (Lek et al., 2016; 1000 Genomes Consortium et al., 2015; Exome Variant Server). Another pathogenic variant at this nucleotide (c.1587-1 G>C) has been observed at GeneDx and published as a pathogenic variant in a patient diagnosed with hypophosphatemic rickets (Beck-Nielsen et al., 2012). Although this pathogenic variant has not been previously reported to our knowledge, its presence is consistent with the diagnosis of X-linked hypophosphatemic rickets.

Dr. Peter K. Rogan Lab, Western University
No classification provided (evidence only). Condition: Thyroid cancer, nonmedullary, 1. Review status: no classification provided. Collection method: in vitro. Allele origin: not applicable. Functional consequence: cryptic splice site. Not counted in ClinVar's aggregate classification.

Literature cited by the submitters: PubMed 22695891 (cited by Labcorp Genetics (formerly Invitae), Labcorp); PubMed 16199547 (cited by Labcorp Genetics (formerly Invitae), Labcorp); PubMed 9097956 (cited by Labcorp Genetics (formerly Invitae), Labcorp); PubMed 9106524 (cited by Labcorp Genetics (formerly Invitae), Labcorp); PubMed 19219621 (cited by Labcorp Genetics (formerly Invitae), Labcorp).